The following is an entry in ClinVar:

NM_020338.4(ZMIZ1):c.2083C>T (p.Leu695Phe)

Gene: ZMIZ1 (zinc finger MIZ-type containing 1; plus strand). Cytogenetic location: 10q22.3.
Variant type: single nucleotide variant.
Coding change: c.2083C>T on transcript NM_020338.4 (MANE Select); coding-DNA position 2083, C replaced by T.
Protein change: p.Leu695Phe; replaces leucine 695 with phenylalanine.
Molecular consequence: missense variant.
Genome position (GRCh38, 1-based): chr10:79,302,170, C>T. VCF-style: chr10-79302170-C-T. GRCh37 (hg19) VCF-style: chr10-81061927-C-T.
Other names: short protein forms L695F.
Identifiers: ClinVar variation 977204 (VCV000977204.3), dbSNP rs1854350169, ClinGen allele CA377340483.
Genomic context (GRCh38, chr10:79,302,170, plus strand): 5'-CACCTCTTCGTGCTGCAGCTGGTACACCGGCCCTCCGTCCGCTCTGTGCTGCAAGGACTC[C>T]TCAAGAAGCGCCTCCTGCCCGCAGAGCACTGTATCACGAAAAGTGAGTCAGGGTGGGGAC-3'
Protein context (NP_065071.1, residues 685-705): PSVRSVLQGL[Leu695Phe]KKRLLPAEHC

ClinVar aggregate classification (germline): Likely pathogenic (1 of 4 stars; one submission).

Submission:

Greenwood Genetic Center Diagnostic Laboratories, Greenwood Genetic Center
Classification: Likely pathogenic. Last evaluated: 2020-07-22. Review status: criteria provided, single submitter. Criteria: ACMG Guidelines, 2015. Collection method: clinical testing. Allele origin: germline. Affected: yes.
Comment: PS2, PP2, PM2